The following is an entry in ClinVar:

NM_000350.3(ABCA4):c.1A>G (p.Met1Val)

Gene: ABCA4 (ATP binding cassette subfamily A member 4; minus strand). Cytogenetic location: 1p22.1.
Variant type: single nucleotide variant.
Coding change: c.1A>G on transcript NM_000350.3 (MANE Select); coding-DNA position 1, A replaced by G.
Protein change: p.Met1Val; changes the start codon (methionine 1).
Molecular consequence: missense variant, initiator codon variant.
Genome position (GRCh38, 1-based): chr1:94,121,045, T>C on the plus strand (A>G on the coding strand, the complement: ABCA4 is on the minus strand). VCF-style: chr1-94121045-T-C. GRCh37 (hg19) VCF-style: chr1-94586601-T-C.
Other names: NM_000350.3(ABCA4):c.1A>G; p.Met1Val; c.1A>G, p.Met1Val (NM_001425324.1); short protein forms M1V.
Identifiers: ClinVar variation 99110 (VCV000099110.35), dbSNP rs201738997, ClinGen allele CA226968.
Genomic context (GRCh38, chr1:94,121,045, plus strand): 5'-GCCTTTTCCGCAGGGTCCAGTTCTTCCAGAGCAAAAGCTGTATCTGTCTCACGAAGCCCA[T>C]GCTAATGACCACACGAAGACCAGATTGGTCAGAGCTGAGGCCCCTCAGACAGCAAAGGAC-3'
Protein context (NP_000341.2, residues 1-11): [Met1Val]GFVRQIQLLL

ClinVar aggregate classification (germline): Pathogenic. Review status: reviewed by expert panel (3 of 4 stars). 11 submissions from 10 submitters: Pathogenic (1). 10 of the submissions do not count toward it. Last evaluated 2025-12-05.

Conditions:
ABCA4-related retinopathy. Also called: ABCA4-related retinoapthy; ABCA4 retinoapthy. Identifiers: MedGen CN322612, MONDO:0800406.
ABCA4-related disorder. Also called: ABCA4-related disorders; ABCA4-related condition. Identifiers: MedGen CN239167.
Retinal dystrophy. Also called: Inherited retinal dystrophy. Identifiers: Orphanet 71862, MedGen C0854723, MeSH D058499, MONDO:0019118, HP:0000556.
Severe early-childhood-onset retinal dystrophy (STGD1). Also called: MACULAR DYSTROPHY WITH FLECKS, TYPE 1; STGD; Stargardt macular dystrophy; Juvenile onset macular degeneration; Stargardt disease 1. Identifiers: Orphanet 364055, Orphanet 827, MedGen C1855465, MeSH D000080362, MONDO:0009549, OMIM 248200.
Abnormality of the eye. Identifiers: MedGen C4316870, HP:0000478.

Allele frequency attached by ClinVar (database versions not stated): gnomAD 0.00001; gnomAD exomes 0.00001 and below 0.00001; TOPMed 0.00001.

Submissions (11):

ClinGen ABCA4 Variant Curation Expert Panel, Clingen
Classification: Pathogenic for ABCA4-related retinopathy. Last evaluated: 2025-12-05. Review status: reviewed by expert panel. Criteria: ClinGen ABCA4 ACMG Specifications V1.0.0. Collection method: curation. Allele origin: germline. Inheritance: Autosomal recessive inheritance.
Comment: The NM_000350.3:c.1A>G (p.Met1Val) variant in ABCA4 may cause a truncated or absent protein by altering the start codon of the coding sequence and is predicted to lead to the omission of a critical region of the protein (PVS1). The total minor allele frequency in gnomAD v4.1.0 is 0.000004957 (8/1613996 alleles), which is lower than the ClinGen ABCA4 VCEP’s threshold for PM2_Supporting (<0.0001). The prevalence of the variant in affected individuals is significantly increased compared with the prevalence in controls with an OR of 131.2 and the CI is 19.05-5442.73, which is above the ABCA4 VCEP threshold of >5, where the CI does not contain 1 (PS4; PMID: 35120629). In summary, this variant meets the criteria to be classified as pathogenic for ABCA4-related retinopathy based on the ACMG/AMP criteria applied, as specified by the ClinGen ABCA4 VCEP (Specification Version 1): PVS1, PS4, PM2_Supporting.

PreventionGenetics, part of Exact Sciences
Classification: Pathogenic for ABCA4-related condition. Last evaluated: 2026-05-26. Review status: criteria provided, single submitter. Criteria: ACMG Guidelines, 2015. Collection method: clinical testing. Allele origin: germline. Not counted in ClinVar's aggregate classification.
Comment: The ABCA4 c.1A>G variant is predicted to disrupt the translation initiation site (Start Loss). This variant has been reported in many individuals with ABCA4-related retinal disease (see for examples: Eisenberger et al. 2013. PubMed ID: 24265693; Table S1, Del Pozo-Valero et al. 2020. PubMed ID: 32619608; Table S1, Karali et al. 2022. PubMed ID: 36460718Table S1, Lin et al. 2024. PubMed ID: 38219857). In each of these example reports, the data is consistent with this variant being in cis (on the same gene copy) as variant c.6089G>A (p.Arg2030Gln). Variant co-occurrence analysis using gnomAD data further supports these two variants are in cis. This c.1A>G (start loss) variant is reported in 0.0099% of alleles in individuals of Ashkenazi Jewish descent in gnomAD. Given the evidence, we interpret this variant as pathogenic.

Research Institute for Ophthalmology and Vision Science, Shahid Beheshti University of Medical Sciences
Classification: Pathogenic for Severe early-childhood-onset retinal dystrophy. Last evaluated: 2025-12-07. Review status: criteria provided, single submitter. Criteria: ACMG Guidelines, 2015. Collection method: research. Allele origin: inherited. Inheritance: Autosomal recessive inheritance. Affected: yes. Not counted in ClinVar's aggregate classification.
Comment: This variant disrupts the initiator codon and has a very low frequency in gnomAD databases. It has been identified in a homozygous state in patients and co-segregates with the disease in affected family members.

Labcorp Genetics (formerly Invitae), Labcorp
Classification: Pathogenic. Last evaluated: 2025-06-08. Review status: criteria provided, single submitter. Criteria: Invitae Variant Classification Sherloc (09022015). Collection method: clinical testing. Allele origin: germline. Not counted in ClinVar's aggregate classification.
Comment: This sequence change affects the initiator codon of the ABCA4 mRNA. This change may impact translation initiation or efficiency. The next in-frame methionine is located at codon 61. This variant is present in population databases (rs201738997, gnomAD 0.01%). Disruption of the initiator codon has been observed in individuals with Stargardt disease (PMID: 28118664, 29925512). ClinVar contains an entry for this variant (Variation ID: 99110). For these reasons, this variant has been classified as Pathogenic.

Blueprint Genetics
Classification: Pathogenic for ABCA4-related disorders. Last evaluated: 2024-10-11. Review status: criteria provided, single submitter. Criteria: ACMG Guidelines, 2015. Collection method: clinical testing. Allele origin: germline. Affected: yes. Observed: 3 variant alleles. Not counted in ClinVar's aggregate classification.

Institute of Human Genetics, Univ. Regensburg, Univ. Regensburg
Classification: Pathogenic for Retinal dystrophy. Last evaluated: 2023-01-01. Review status: criteria provided, single submitter. Criteria: ACMG Guidelines, 2015. Collection method: clinical testing. Allele origin: germline. Affected: yes. Not counted in ClinVar's aggregate classification.

GeneDx
Classification: Pathogenic. Last evaluated: 2021-10-20. Review status: criteria provided, single submitter. Criteria: GeneDx Variant Classification Process June 2021. Collection method: clinical testing. Allele origin: germline. Affected: yes. Not counted in ClinVar's aggregate classification.
Comment: Identified in other unrelated patients with ABCA4-related disorders in published literature (Briggs et al., 2001; Maia-Lopes et al., 2009); Initiation codon variant in a gene for which loss-of-function is a known mechanism of disease; This variant is associated with the following publications: (PMID: 19365591, 28118664, 11527935, 24265693, 29925512, 31456290)

Kariminejad - Najmabadi Pathology & Genetics Center
Classification: Likely pathogenic for Abnormality of the eye. Last evaluated: 2021-07-10. Review status: criteria provided, single submitter. Criteria: ACMG Guidelines, 2015. Collection method: clinical testing. Allele origin: germline. Affected: yes. Not counted in ClinVar's aggregate classification.

Institute of Medical Molecular Genetics, University of Zurich
Classification: Likely pathogenic for Severe early-childhood-onset retinal dystrophy. Last evaluated: 2021-01-30. Review status: criteria provided, single submitter. Criteria: ACMG Guidelines, 2015. Collection method: clinical testing. Allele origin: unknown. Affected: yes. Not counted in ClinVar's aggregate classification.

Institute of Human Genetics, Univ. Regensburg, Univ. Regensburg
Classification: Pathogenic for Severe early-childhood-onset retinal dystrophy. Last evaluated: 2016-01-01. Review status: criteria provided, single submitter. Criteria: Schulz et al. (Invest Ophthalmol Vis Sci. 2017). Collection method: clinical testing. Allele origin: germline. Affected: yes. Observed: 1 heterozygote. Not counted in ClinVar's aggregate classification.

Retina International
No classification provided. Review status: no classification provided. Collection method: not provided. Allele origin: unknown. Not counted in ClinVar's aggregate classification.

Literature cited by the submitters: PubMed 11527935 (cited by Research Institute for Ophthalmology and Vision Science, Shahid Beheshti University of Medical Sciences and Institute of Human Genetics, Univ. Regensburg, Univ. Regensburg); PubMed 28118664 (cited by Labcorp Genetics (formerly Invitae), Labcorp); PubMed 29925512 (cited by Labcorp Genetics (formerly Invitae), Labcorp and Institute of Human Genetics, Univ. Regensburg, Univ. Regensburg); PubMed 24265693 (cited by Institute of Human Genetics, Univ. Regensburg, Univ. Regensburg); PubMed 32619608 (cited by Institute of Human Genetics, Univ. Regensburg, Univ. Regensburg); PubMed 31964843 (cited by Institute of Human Genetics, Univ. Regensburg, Univ. Regensburg); PubMed 31456290 (cited by Institute of Human Genetics, Univ. Regensburg, Univ. Regensburg); PubMed 35119454 (cited by Institute of Human Genetics, Univ. Regensburg, Univ. Regensburg); PubMed 36460718 (cited by Institute of Human Genetics, Univ. Regensburg, Univ. Regensburg).